The following is an entry in ClinVar:

ClinVar aggregate classification (germline): Uncertain significance (1 of 4 stars; one submission).

Conditions:
Long QT syndrome (LQTS). Identifiers: MedGen C0023976, MeSH D008133, MONDO:0002442. Disease mechanism: loss of function. Inheritance: Various modes of inheritance.

gnomAD v4.1: 5 of 1,612,498 alleles (0.00031%); highest among the groups gnomAD compares: Admixed American, 0.0084%; no homozygotes.

Submission:

Labcorp Genetics (formerly Invitae), Labcorp
Classification: Uncertain significance for Long QT syndrome. Last evaluated: 2025-04-09. Review status: criteria provided, single submitter. Criteria: Invitae Variant Classification Sherloc (09022015). Collection method: clinical testing. Allele origin: germline.
Comment: This sequence change replaces alanine, which is neutral and non-polar, with threonine, which is neutral and polar, at codon 199 of the AKAP9 protein (p.Ala199Thr). This variant is present in population databases (no rsID available, gnomAD 0.009%). This variant has not been reported in the literature in individuals affected with AKAP9-related conditions. An algorithm developed to predict the effect of missense changes on protein structure and function (PolyPhen-2) suggests that this variant is likely to be disruptive. In summary, the available evidence is currently insufficient to determine the role of this variant in disease. Therefore, it has been classified as a Variant of Uncertain Significance.

NM_005751.5(AKAP9):c.595G>A (p.Ala199Thr)

Gene: AKAP9 (A-kinase anchoring protein 9; plus strand). Cytogenetic location: 7q21.2.
Variant type: single nucleotide variant.
Coding change: c.595G>A on transcript NM_005751.5 (MANE Select); coding-DNA position 595, G replaced by A.
Protein change: p.Ala199Thr; replaces alanine 199 with threonine.
Molecular consequence: missense variant.
Genome position (GRCh38, 1-based): chr7:91,994,639, G>A. VCF-style: chr7-91994639-G-A. GRCh37 (hg19) VCF-style: chr7-91623953-G-A.
Other names: c.595G>A, p.Ala199Thr (NM_147185.3); short protein forms A199T.
Identifiers: ClinVar variation 4700572 (VCV004700572.1).